The following is an entry in ClinVar:

NM_000439.5(PCSK1):c.701A>T (p.Lys234Ile)

Genes: CAST (calpastatin; plus strand), PCSK1 (proprotein convertase subtilisin/kexin type 1; minus strand), LOC101929710 (uncharacterized LOC101929710; plus strand). Cytogenetic location: 5q15.
Variant type: single nucleotide variant.
Coding change: c.701A>T on transcript NM_000439.5 (MANE Select); coding-DNA position 701, A replaced by T.
Protein change: p.Lys234Ile; replaces lysine 234 with isoleucine.
Molecular consequence: missense variant. On other transcripts: intron variant (11).
Genome position (GRCh38, 1-based): chr5:96,416,041, T>A on the plus strand (A>T on the coding strand, the complement: PCSK1 is on the minus strand). VCF-style: chr5-96416041-T-A. GRCh37 (hg19) VCF-style: chr5-95751745-T-A.
Other names: c.560A>T, p.Lys187Ile (NM_001177875.2); c.-175+36389T>A (NM_001423254.1, NM_001423259.1, NM_001423255.1 and 6 more transcripts); c.-103+36389T>A (NM_001423253.1); c.-40+36389T>A (NM_001423258.1); short protein forms K187I, K234I.
Identifiers: ClinVar variation 3352287 (VCV003352287.1).

ClinVar aggregate classification (germline): Uncertain significance (0 of 4 stars; one submission).

Conditions:
PCSK1-related disorder. Also called: PCSK1-related condition.

gnomAD v4.1: 108 of 1,605,850 alleles (0.0067%); highest among the groups gnomAD compares: Non-Finnish European, 0.0092%; no homozygotes.

Submission:

PreventionGenetics, part of Exact Sciences
Classification: Uncertain significance for PCSK1-related condition. Last evaluated: 2023-11-05. Review status: no assertion criteria provided. Collection method: clinical testing. Allele origin: germline.
Comment: The PCSK1 c.701A>T variant is predicted to result in the amino acid substitution p.Lys234Ile. This variant was observed in obese individuals, and in vitro functional studies showed supporting evidence of loss of function (Table S1, Šket et al. 2022. PubMed ID: 35574020; Supplemental Data Set, Shah et al. 2023. PubMed ID: 36864747). This variant is reported in 0.0035% of alleles in individuals of European (Non-Finnish) descent in gnomAD. Although we suspect that this variant may be pathogenic, at this time, the clinical significance of this variant is uncertain due to the absence of conclusive functional and genetic evidence.